The following is an entry in ClinVar:

NM_178857.6(RP1L1):c.609+2T>C

Gene: RP1L1 (RP1 like 1). Cytogenetic location: 8p23.1.
Variant type: single nucleotide variant.
Coding change: c.609+2T>C on transcript NM_178857.6 (MANE Select); the canonical splice donor site of the intron after coding-DNA position 609, T replaced by C.
Molecular consequence: splice donor variant.
Genome position (GRCh38, 1-based): chr8:10,622,591, A>G on the plus strand (T>C on the coding strand, the complement: RP1L1 is on the minus strand). VCF-style: chr8-10622591-A-G. GRCh37 (hg19) VCF-style: chr8-10480101-A-G.
Identifiers: ClinVar variation 715407 (VCV000715407.15), dbSNP rs199958805, ClinGen allele CA4625625.

ClinVar aggregate classification (germline): Conflicting classifications of pathogenicity. Review status: criteria provided, conflicting classifications (1 of 4 stars). 5 submissions from 5 submitters: Uncertain significance (3); Likely benign (1). 1 of the submissions does not count toward it. Last evaluated 2026-09-21.

Conditions:
Retinal dystrophy. Also called: Inherited retinal dystrophy. Identifiers: Orphanet 71862, MedGen C0854723, MeSH D058499, MONDO:0019118, HP:0000556.
RP1L1-related disorder. Also called: RP1L1-related condition.

Allele frequency attached by ClinVar (database versions not stated): TOPMed 0.00010; 1000 Genomes Project 30x 0.00016; 1000 Genomes Project 0.00020; gnomAD exomes 0.00027 and 0.00043; gnomAD 0.00029 and 0.00030; ExAC 0.00041.

Submissions (5):

PreventionGenetics, part of Exact Sciences
Classification: Uncertain significance for RP1L1-related condition. Last evaluated: 2026-09-21. Review status: criteria provided, single submitter. Criteria: ACMG Guidelines, 2015. Collection method: clinical testing. Allele origin: germline.
Comment: The RP1L1 c.609+2T>C variant is predicted to disrupt the GT donor site and interfere with normal splicing. To our knowledge, this variant has not been reported in the literature. This variant is reported in 0.32% of alleles in individuals of European (Finnish) descent in gnomAD, which is likely too common to be an undocumented cause of disease. At this time, the clinical significance of this variant is uncertain due to the absence of conclusive functional and genetic evidence.

Labcorp Genetics (formerly Invitae), Labcorp
Classification: Likely benign. Last evaluated: 2025-10-27. Review status: criteria provided, single submitter. Criteria: Invitae Variant Classification Sherloc (09022015). Collection method: clinical testing. Allele origin: germline.

Blueprint Genetics
Classification: Uncertain significance. Last evaluated: 2024-11-20. Review status: criteria provided, single submitter. Criteria: ACMG Guidelines, 2015. Collection method: clinical testing. Allele origin: germline.

Institute for Clinical Genetics, University Hospital TU Dresden, University Hospital TU Dresden
Classification: Uncertain significance. Last evaluated: 2021-11-03. Review status: criteria provided, single submitter. Criteria: ACMG Guidelines, 2015. Collection method: clinical testing. Allele origin: germline.

Institute of Human Genetics, Univ. Regensburg, Univ. Regensburg
Classification: Uncertain significance for Retinal dystrophy. Last evaluated: 2018-01-01. Review status: no assertion criteria provided. Criteria: ACMG Guidelines, 2015. Collection method: clinical testing. Allele origin: germline. Affected: yes. Not counted in ClinVar's aggregate classification.